The following is an entry in ClinVar:

NM_004637.6(RAB7A):c.544C>G (p.Leu182Val)

Genes: RAB7A (RAB7A, member RAS oncogene family; plus strand), LOC112872299 (Sharpr-MPRA regulatory region 6458; plus strand). Cytogenetic location: 3q21.3.
Variant type: single nucleotide variant.
Coding change: c.544C>G on transcript NM_004637.6 (MANE Select); coding-DNA position 544, C replaced by G.
Protein change: p.Leu182Val; replaces leucine 182 with valine.
Molecular consequence: missense variant.
Genome position (GRCh38, 1-based): chr3:128,813,342, C>G. VCF-style: chr3-128813342-C-G. GRCh37 (hg19) VCF-style: chr3-128532185-C-G.
Other names: short protein forms L182V.
Identifiers: ClinVar variation 1707643 (VCV001707643.1), dbSNP rs140685176, ClinGen allele CA354423475.

ClinVar aggregate classification (germline): Uncertain significance (1 of 4 stars; one submission).

Conditions:
Charcot-Marie-Tooth disease type 2B (CMT2B). Also called: Charcot-Marie-Tooth Neuropathy Type 2B; CHARCOT-MARIE-TOOTH DISEASE, AXONAL, TYPE 2B; CHARCOT-MARIE-TOOTH DISEASE, AUTOSOMAL DOMINANT, TYPE 2B; HEREDITARY MOTOR AND SENSORY NEUROPATHY IIB. Identifiers: Orphanet 99936, MedGen C1833219, MONDO:0010949, OMIM 600882.

Submission:

Breda Genetics srl
Classification: Uncertain significance for Charcot-Marie-Tooth disease type 2B. Last evaluated: 2022-08-22. Review status: criteria provided, single submitter. Criteria: ACMG Guidelines, 2015. Collection method: clinical testing. Allele origin: germline. Inheritance: Autosomal dominant inheritance. Affected: yes. Observed: 1 variant allele, 1 heterozygote.
Comment: The variant c.544C>G (p.Leu182Val) in the RAB7A gene has not been reported in dbSNP, gnomAD, 1000 Genomes Project or ClinVar. The nucleotide position is highly conserved across 35 mammalian species (GERP RS: 5.56).